The following is an entry in ClinVar:

NM_022489.4(INF2):c.2087C>G (p.Ala696Gly)

Gene: INF2 (inverted formin 2; plus strand). Cytogenetic location: 14q32.33.
Variant type: single nucleotide variant.
Coding change: c.2087C>G on transcript NM_022489.4 (MANE Select); coding-DNA position 2087, C replaced by G.
Protein change: p.Ala696Gly; replaces alanine 696 with glycine.
Molecular consequence: missense variant.
Genome position (GRCh38, 1-based): chr14:104,709,654, C>G. VCF-style: chr14-104709654-C-G. GRCh37 (hg19) VCF-style: chr14-105175991-C-G.
Other names: c.2087C>G, p.Ala696Gly (NM_001031714.4); short protein forms A696G.
Identifiers: ClinVar variation 571220 (VCV000571220.10), dbSNP rs769120676, ClinGen allele CA391219944.

ClinVar aggregate classification (germline): Uncertain significance (1 of 4 stars; one submission).

Conditions:
Focal segmental glomerulosclerosis 5 (FSGS5). Identifiers: Orphanet 656, MedGen C2750475, MONDO:0013191, OMIM 613237.
Charcot-Marie-Tooth disease dominant intermediate E. Also called: CHARCOT-MARIE-TOOTH NEUROPATHY WITH FOCAL SEGMENTAL GLOMERULONEPHRITIS. Identifiers: Orphanet 93114, MedGen C4302667, MONDO:0013758, OMIM 614455.

gnomAD v4.1: 1 of 1,612,688 alleles (0.000062%); highest among the groups gnomAD compares: Middle Eastern, 0.016%; no homozygotes.

Submission:

Labcorp Genetics (formerly Invitae), Labcorp
Classification: Uncertain significance for Charcot-Marie-Tooth disease dominant intermediate E; Focal segmental glomerulosclerosis 5. Last evaluated: 2022-08-10. Review status: criteria provided, single submitter. Criteria: Invitae Variant Classification Sherloc (09022015). Collection method: clinical testing. Allele origin: germline.
Comment: This sequence change replaces alanine, which is neutral and non-polar, with glycine, which is neutral and non-polar, at codon 696 of the INF2 protein (p.Ala696Gly). This variant is not present in population databases (gnomAD no frequency). This variant has not been reported in the literature in individuals affected with INF2-related conditions. ClinVar contains an entry for this variant (Variation ID: 571220). Algorithms developed to predict the effect of missense changes on protein structure and function are either unavailable or do not agree on the potential impact of this missense change (SIFT: "Tolerated"; PolyPhen-2: "Not Available"; Align-GVGD: "Class C0"). In summary, the available evidence is currently insufficient to determine the role of this variant in disease. Therefore, it has been classified as a Variant of Uncertain Significance.